The following is an entry in ClinVar:

ClinVar aggregate classification (germline): Pathogenic. Review status: criteria provided, multiple submitters, no conflicts (2 of 4 stars). 2 submissions from 2 submitters: Pathogenic (2). Last evaluated 2025-11-24.

Conditions:
Hereditary cancer-predisposing syndrome. Also called: Neoplastic Syndromes, Hereditary; Hereditary Cancer Syndrome; Hereditary neoplastic syndrome; Tumor predisposition. Identifiers: Orphanet 140162, MedGen C0027672, MeSH D009386, MONDO:0015356.
Parathyroid carcinoma (PRTC). Also called: CDC73-Related Parathyroid Carcinoma; Parathyroid gland carcinoma. Identifiers: Orphanet 143, MedGen C0687150, MONDO:0012004, OMIM 608266, HP:0006780.

Submissions (2):

Labcorp Genetics (formerly Invitae), Labcorp
Classification: Pathogenic for Parathyroid carcinoma. Last evaluated: 2025-11-24. Review status: criteria provided, single submitter. Criteria: Invitae Variant Classification Sherloc (09022015). Collection method: clinical testing. Allele origin: germline.
Comment: This sequence change creates a premature translational stop signal (p.Arg171Glyfs*31) in the CDC73 gene. It is expected to result in an absent or disrupted protein product. Loss-of-function variants in CDC73 are known to be pathogenic (PMID: 12434154). This variant is not present in population databases (gnomAD no frequency). This variant has not been reported in the literature in individuals affected with CDC73-related conditions. ClinVar contains an entry for this variant (Variation ID: 1459830). For these reasons, this variant has been classified as Pathogenic.

Ambry Genetics
Classification: Pathogenic for Hereditary cancer-predisposing syndrome. Last evaluated: 2021-04-06. Review status: criteria provided, single submitter. Criteria: Ambry Variant Classification Scheme 2023. Collection method: clinical testing. Allele origin: germline.
Comment: The c.510delT pathogenic mutation, located in coding exon 6 of the CDC73 gene, results from a deletion of one nucleotide at nucleotide position 510, causing a translational frameshift with a predicted alternate stop codon (p.R171Gfs*31). This variant was not reported in population-based cohorts in the Genome Aggregation Database (gnomAD). This alteration is expected to result in loss of function by premature protein truncation or nonsense-mediated mRNA decay. As such, this alteration is interpreted as a disease-causing mutation.

Literature cited by the submitters: PubMed 12434154 (cited by Labcorp Genetics (formerly Invitae), Labcorp).

NM_024529.5(CDC73):c.510del (p.Arg171fs)

Gene: CDC73 (cell division cycle 73; plus strand). Cytogenetic location: 1q31.2.
Variant type: Deletion.
Coding change: c.510del on transcript NM_024529.5 (MANE Select); coding-DNA position 510, one base deleted (T; older notation c.510delT).
Protein change: p.Arg171fs; shifts the reading frame from arginine 171.
Molecular consequence: frameshift variant.
Genome position (GRCh38, 1-based): chr1:193,138,171, T deleted; the last of 2 consecutive T bases (chr1:193,138,170-193,138,171); deleting either gives the same sequence. VCF-style (leftmost placement, unchanged base first): chr1-193138169-AT-A. GRCh37 (hg19) VCF-style: chr1-193107299-AT-A.
Other names: short protein forms R171fs.
Identifiers: ClinVar variation 1459830 (VCV001459830.8), dbSNP rs2103123828, ClinGen allele CA2573131372.
Genomic context (GRCh38, chr1:193,138,169, plus strand): 5'-AAAGAGAGATTGGCTGCCCGTTTGGAGGGTCACAAAGAAGGGATTGTACAGACTGAACAG[AT>A]TAGGTAAGAATTCTTTTTAAGTAGAAAGTAGGTAGTTTAGATATATGTAAAAGTATAAGG-3'